The following is an entry in ClinVar:

NM_003002.4(SDHD):c.308G>A (p.Gly103Asp)

Gene: SDHD (succinate dehydrogenase complex subunit D; plus strand). Cytogenetic location: 11q23.1.
Variant type: single nucleotide variant.
Coding change: c.308G>A on transcript NM_003002.4 (MANE Select); coding-DNA position 308, G replaced by A.
Protein change: p.Gly103Asp; replaces glycine 103 with aspartic acid.
Molecular consequence: missense variant. On other transcripts: non-coding transcript variant (1), intron variant (1).
Genome position (GRCh38, 1-based): chr11:112,089,005, G>A. VCF-style: chr11-112089005-G-A. GRCh37 (hg19) VCF-style: chr11-111959729-G-A.
Other names: c.191G>A, p.Gly64Asp (NM_001276504.2); c.308G>A, p.Gly103Asp (NM_001276506.2); c.169+1032G>A (NM_001276503.2); short protein forms G103D, G64D.
Identifiers: ClinVar variation 2944260 (VCV002944260.3), dbSNP rs2498905623, ClinGen allele CA382617420.
Genomic context (GRCh38, chr11:112,089,005, plus strand): 5'-CTTATTTGAATCCTTGCTCTGCGATGGACTATTCCCTGGCTGCAGCCCTCACTCTTCATG[G>A]TCACTGGCAAGTATAGCAATTCCAAATATAGTTGTCTGCTCAGTTTGTTTGCTGTGAGCT-3'
Protein context (NP_002993.1, residues 93-113): YSLAAALTLH[Gly103Asp]HWGLGQVVTD

ClinVar aggregate classification (germline): Uncertain significance (1 of 4 stars; one submission).

Conditions:
Pheochromocytoma. Also called: MAX-Related Hereditary Paraganglioma-Pheochromocytoma Syndrome. Identifiers: Orphanet 29072, MedGen C0031511, MONDO:0008233, OMIM 171300, HP:0002666.
Paragangliomas with sensorineural hearing loss. Identifiers: MedGen C1868633.
Cowden syndrome 3 (CWS3). Identifiers: Orphanet 201, MedGen CN166604, MONDO:0014045.
Carney-Stratakis syndrome. Also called: PARAGANGLIOMA AND GASTROINTESTINAL STROMAL TUMOR. Identifiers: Orphanet 97286, MedGen C1847319, MONDO:0011740, OMIM 606864.

Submission:

Labcorp Genetics (formerly Invitae), Labcorp
Classification: Uncertain significance for Carney-Stratakis syndrome; Paragangliomas with sensorineural hearing loss; Pheochromocytoma; Cowden syndrome 3. Last evaluated: 2023-02-14. Review status: criteria provided, single submitter. Criteria: Invitae Variant Classification Sherloc (09022015). Collection method: clinical testing. Allele origin: germline.
Comment: This variant has not been reported in the literature in individuals affected with SDHD-related conditions. This variant is not present in population databases (gnomAD no frequency). This sequence change replaces glycine, which is neutral and non-polar, with aspartic acid, which is acidic and polar, at codon 103 of the SDHD protein (p.Gly103Asp). Advanced modeling of protein sequence and biophysical properties (such as structural, functional, and spatial information, amino acid conservation, physicochemical variation, residue mobility, and thermodynamic stability) has been performed at Invitae for this missense variant, however the output from this modeling did not meet the statistical confidence thresholds required to predict the impact of this variant on SDHD protein function. In summary, the available evidence is currently insufficient to determine the role of this variant in disease. Therefore, it has been classified as a Variant of Uncertain Significance.